The following is an entry in ClinVar:

NM_005188.4(CBL):c.1941+4A>C

Gene: CBL (Cbl proto-oncogene; plus strand). Cytogenetic location: 11q23.3.
Variant type: single nucleotide variant.
Coding change: c.1941+4A>C on transcript NM_005188.4 (MANE Select); 4 bases into the intron after coding-DNA position 1941, A replaced by C.
Molecular consequence: intron variant.
Genome position (GRCh38, 1-based): chr11:119,285,570, A>C. VCF-style: chr11-119285570-A-C. GRCh37 (hg19) VCF-style: chr11-119156280-A-C.
Identifiers: ClinVar variation 2422878 (VCV002422878.6), dbSNP rs1333992601, ClinGen allele CA602172871.

ClinVar aggregate classification (germline): Uncertain significance (1 of 4 stars; one submission).

Conditions:
RASopathy. Also called: rasopathies; Noonan spectrum disorder. Identifiers: Orphanet 536391, MedGen C5555857, MONDO:0021060.

Allele frequency attached by ClinVar (database versions not stated): gnomAD exomes 0.00001.
gnomAD v4.1: 3 of 1,613,628 alleles (0.00019%); highest among the groups gnomAD compares: Admixed American, 0.005%; no homozygotes.

Submission:

Labcorp Genetics (formerly Invitae), Labcorp
Classification: Uncertain significance for RASopathy. Last evaluated: 2025-07-16. Review status: criteria provided, single submitter. Criteria: Invitae Variant Classification Sherloc (09022015). Collection method: clinical testing. Allele origin: germline.
Comment: This sequence change falls in intron 11 of the CBL gene. It does not directly change the encoded amino acid sequence of the CBL protein. It affects a nucleotide within the consensus splice site. This variant is present in population databases (no rsID available, gnomAD 0.003%). This variant has not been reported in the literature in individuals affected with CBL-related conditions. ClinVar contains an entry for this variant (Variation ID: 2422878). Variants that disrupt the consensus splice site are a relatively common cause of aberrant splicing (PMID: 17576681, 9536098). Algorithms developed to predict the effect of sequence changes on RNA splicing suggest that this variant may disrupt the consensus splice site. In summary, the available evidence is currently insufficient to determine the role of this variant in disease. Therefore, it has been classified as a Variant of Uncertain Significance.

Literature cited by the submitters: PubMed 17576681; PubMed 9536098.